The following is an entry in ClinVar:

NM_001363711.2(DUOX2):c.3200C>T (p.Ser1067Leu)

Gene: DUOX2 (dual oxidase 2; minus strand). Cytogenetic location: 15q21.1.
Variant type: single nucleotide variant.
Coding change: c.3200C>T on transcript NM_001363711.2 (MANE Select); coding-DNA position 3200, C replaced by T.
Protein change: p.Ser1067Leu; replaces serine 1067 with leucine.
Molecular consequence: missense variant.
Genome position (GRCh38, 1-based): chr15:45,099,877, G>A on the plus strand (C>T on the coding strand, the complement: DUOX2 is on the minus strand). VCF-style: chr15-45099877-G-A. GRCh37 (hg19) VCF-style: chr15-45392075-G-A.
Other names: c.3200C>T, p.Ser1067Leu (NM_014080.5); short protein forms S1067L.
Identifiers: ClinVar variation 260323 (VCV000260323.22), dbSNP rs269868, ClinGen allele CA7537960.

ClinVar aggregate classification (germline): Benign/Likely benign. Review status: criteria provided, multiple submitters, no conflicts (2 of 4 stars). 11 submissions from 11 submitters: Benign (8); Likely benign (1). 2 of the submissions do not count toward it. Last evaluated 2026-05-08.

Conditions:
Thyroid dyshormonogenesis 6 (TDH6). Also called: HYPOTHYROIDISM, CONGENITAL, DUE TO DYSHORMONOGENESIS, 6; Genetic transient congenital hypothyroidism; THYROID HORMONOGENESIS, GENETIC DEFECT IN, 6. Identifiers: Orphanet 226316, Orphanet 95716, MedGen C1846632, MONDO:0011792, OMIM 607200.

Allele frequency attached by ClinVar (database versions not stated): 1000 Genomes Project 30x 0.70175; ESP Exome Variant Server 0.70274; TOPMed 0.70672; gnomAD 0.71631 and 0.73093; 1000 Genomes Project 0.72025; ExAC 0.86444; gnomAD exomes 0.87527 and 0.90639.
gnomAD v4.1: 1,435,068 of 1,613,952 alleles (89%); highest among the groups gnomAD compares: East Asian, 94%; 655,306 homozygotes.

Submissions (11):

Women's Health and Genetics/Laboratory Corporation of America, LabCorp
Classification: Benign. Last evaluated: 2026-05-08. Review status: criteria provided, single submitter. Criteria: LabCorp Variant Classification Summary - May 2015. Collection method: clinical testing. Allele origin: germline.

Labcorp Genetics (formerly Invitae), Labcorp
Classification: Benign. Last evaluated: 2026-02-04. Review status: criteria provided, single submitter. Criteria: Invitae Variant Classification Sherloc (09022015). Collection method: clinical testing. Allele origin: germline.

Blueprint Genetics
Classification: Likely benign. Last evaluated: 2024-11-27. Review status: criteria provided, single submitter. Criteria: ACMG Guidelines, 2015. Collection method: clinical testing. Allele origin: germline.

Mayo Clinic Laboratories, Mayo Clinic
Classification: Benign. Last evaluated: 2023-08-17. Review status: criteria provided, single submitter. Criteria: ACMG Guidelines, 2015. Collection method: clinical testing. Allele origin: germline. Observed: 93 variant alleles.
Comment: BA1

Mendelics
Classification: Benign for Thyroid dyshormonogenesis 6. Last evaluated: 2019-05-28. Review status: criteria provided, single submitter. Criteria: Mendelics Assertion Criteria 2017. Collection method: clinical testing. Allele origin: unknown.

Illumina Laboratory Services, Illumina
Classification: Benign for Thyroid dyshormonogenesis 6. Last evaluated: 2018-03-06. Review status: criteria provided, single submitter. Criteria: ICSL Variant Classification Criteria 13 December 2019. Collection method: clinical testing. Allele origin: germline.
Comment: This variant was observed in the ICSL laboratory as part of a predisposition screen in an ostensibly healthy population. It had not been previously curated by ICSL or reported in the Human Gene Mutation Database (HGMD: prior to June 1st, 2018), and was therefore a candidate for classification through an automated scoring system. Utilizing variant allele frequency, disease prevalence and penetrance estimates, and inheritance mode, an automated score was calculated to assess if this variant is too frequent to cause the disease. Based on the score and internal cut-off values, a variant classified as benign is not then subjected to further curation. The score for this variant resulted in a classification of benign for this disease.

Clinical Genetics DNA and cytogenetics Diagnostics Lab, Erasmus MC, Erasmus Medical Center
Classification: Benign for Thyroid dyshormonogenesis 6. Last evaluated: 2015-09-21. Review status: criteria provided, single submitter. Criteria: ACGS Guidelines, 2013. Collection method: clinical testing. Allele origin: germline. Affected: yes. Study: VKGL Data-share Consensus.

Breakthrough Genomics
Classification: Benign. Review status: criteria provided, single submitter. Criteria: ACMG Guidelines, 2015. Collection method: not provided. Allele origin: germline. Inheritance: Autosomal recessive inheritance. Affected: yes.

PreventionGenetics, part of Exact Sciences
Classification: Benign. Review status: criteria provided, single submitter. Criteria: ACMG Guidelines, 2015. Collection method: clinical testing. Allele origin: germline.

Clinical Genetics, Academic Medical Center
Classification: Benign. Review status: no assertion criteria provided. Collection method: clinical testing. Allele origin: germline. Affected: yes. Study: VKGL Data-share Consensus. Not counted in ClinVar's aggregate classification.

Diagnostic Laboratory, Department of Genetics, University Medical Center Groningen
Classification: Benign for Thyroid dyshormonogenesis 6. Review status: no assertion criteria provided. Collection method: clinical testing. Allele origin: germline. Affected: yes. Study: VKGL Data-share Consensus. Not counted in ClinVar's aggregate classification.